The following is an entry in ClinVar:

ClinVar aggregate classification (germline): Uncertain significance. Review status: criteria provided, multiple submitters, no conflicts (2 of 4 stars). 3 submissions from 3 submitters: Uncertain significance (3). Last evaluated 2025-09-11.

Conditions:
Hereditary cancer-predisposing syndrome. Also called: Neoplastic Syndromes, Hereditary; Tumor predisposition; Hereditary Cancer Syndrome; Hereditary neoplastic syndrome. Identifiers: Orphanet 140162, MedGen C0027672, MeSH D009386, MONDO:0015356.
Bloom syndrome (BLM). Also called: Bloom-Torre-Machacek syndrome. Identifiers: Orphanet 125, MedGen C0005859, MONDO:0008876, OMIM 210900.

Submissions (3):

Quest Diagnostics Nichols Institute San Juan Capistrano
Classification: Uncertain significance. Last evaluated: 2025-09-11. Review status: criteria provided, single submitter. Criteria: Quest Diagnostics criteria. Collection method: clinical testing. Allele origin: unknown.
Comment: The BLM c.1204C>G (p.Gln402Glu) variant has not been reported in individuals with BLM-related conditions in the published literature. This variant has not been reported in large, multi-ethnic general populations (Genome Aggregation Database). Analysis of this variant using bioinformatics tools for the prediction of the effect of amino acid changes on protein structure and function yielded predictions that this variant is benign. Based on the available information, we are unable to determine the clinical significance of this variant.

Ambry Genetics
Classification: Uncertain significance for Hereditary cancer-predisposing syndrome. Last evaluated: 2024-04-24. Review status: criteria provided, single submitter. Criteria: Ambry Variant Classification Scheme 2023. Collection method: clinical testing. Allele origin: germline.
Comment: The p.Q402E variant (also known as c.1204C>G), located in coding exon 5 of the BLM gene, results from a C to G substitution at nucleotide position 1204. The glutamine at codon 402 is replaced by glutamic acid, an amino acid with highly similar properties. This amino acid position is conserved. In addition, this alteration is predicted to be tolerated by in silico analysis. Based on the available evidence, the clinical significance of this variant remains unclear.

Labcorp Genetics (formerly Invitae), Labcorp
Classification: Uncertain significance for Bloom syndrome. Last evaluated: 2022-03-17. Review status: criteria provided, single submitter. Criteria: Invitae Variant Classification Sherloc (09022015). Collection method: clinical testing. Allele origin: germline.
Comment: In summary, the available evidence is currently insufficient to determine the role of this variant in disease. Therefore, it has been classified as a Variant of Uncertain Significance. Algorithms developed to predict the effect of missense changes on protein structure and function are either unavailable or do not agree on the potential impact of this missense change (SIFT: "Tolerated"; PolyPhen-2: "Possibly Damaging"; Align-GVGD: "Class C0"). This variant has not been reported in the literature in individuals affected with BLM-related conditions. This variant is not present in population databases (gnomAD no frequency). This sequence change replaces glutamine, which is neutral and polar, with glutamic acid, which is acidic and polar, at codon 402 of the BLM protein (p.Gln402Glu).

NM_000057.4(BLM):c.1204C>G (p.Gln402Glu)

Gene: BLM (BLM RecQ like helicase; plus strand). Cytogenetic location: 15q26.1.
Variant type: single nucleotide variant.
Coding change: c.1204C>G on transcript NM_000057.4 (MANE Select); coding-DNA position 1204, C replaced by G.
Protein change: p.Gln402Glu; replaces glutamine 402 with glutamic acid.
Molecular consequence: missense variant.
Genome position (GRCh38, 1-based): chr15:90,760,263, C>G. VCF-style: chr15-90760263-C-G. GRCh37 (hg19) VCF-style: chr15-91303493-C-G.
Other names: c.1204C>G, p.Gln402Glu (NM_001287246.2, NM_001287247.2); c.79C>G, p.Gln27Glu (NM_001287248.2); c.1204C>G (NM_000057.3); short protein forms Q402E, Q27E.
Identifiers: ClinVar variation 2113188 (VCV002113188.6), dbSNP rs2151157479, ClinGen allele CA393842544.